The following is an entry in ClinVar:

NM_001127898.4(CLCN5):c.1001dup (p.Ser335fs)

Gene: CLCN5 (chloride voltage-gated channel 5; plus strand). Cytogenetic location: Xp11.23.
Variant type: Duplication.
Coding change: c.1001dup on transcript NM_001127898.4 (MANE Select); coding-DNA position 1001, one base duplicated (T; older notation c.1001dupT).
Protein change: p.Ser335fs; shifts the reading frame from serine 335.
Molecular consequence: frameshift variant.
Genome position (GRCh38, 1-based): chrX:50,086,047, T duplicated; the last of 2 consecutive T bases (chrX:50,086,046-50,086,047); duplicating either gives the same sequence. VCF-style (leftmost placement, unchanged base first): chrX-50086045-A-AT. GRCh37 (hg19) VCF-style: chrX-49850702-A-AT.
Other names: c.791dup, p.Ser265fs (NM_000084.5); c.1001dup, p.Ser335fs (NM_001127899.4); c.851dup, p.Ser285fs (NM_001282163.2); short protein forms S265fs, S335fs, S285fs.
Identifiers: ClinVar variation 2032286 (VCV002032286.4), dbSNP rs2519431860, ClinGen allele CA2580101138.

ClinVar aggregate classification (germline): Pathogenic (1 of 4 stars; one submission).

Submission:

Labcorp Genetics (formerly Invitae), Labcorp
Classification: Pathogenic. Last evaluated: 2022-12-30. Review status: criteria provided, single submitter. Criteria: Invitae Variant Classification Sherloc (09022015). Collection method: clinical testing. Allele origin: germline.
Comment: For these reasons, this variant has been classified as Pathogenic. This variant has not been reported in the literature in individuals affected with CLCN5-related conditions. This variant is not present in population databases (gnomAD no frequency). This sequence change creates a premature translational stop signal (p.Ser265Glnfs*3) in the CLCN5 gene. It is expected to result in an absent or disrupted protein product. Loss-of-function variants in CLCN5 are known to be pathogenic (PMID: 22876375, 25907713).

Literature cited by the submitters: PubMed 22876375; PubMed 25907713.